The following is an entry in ClinVar:

ClinVar aggregate classification (germline): Likely benign. Review status: criteria provided, multiple submitters, no conflicts (2 of 4 stars). 5 submissions from 5 submitters: Likely benign (5). Last evaluated 2025-11-25.

Conditions:
Ataxia-telangiectasia syndrome (AT). Also called: Ataxia telangiectasia (A-T); Cerebello-oculocutaneous telangiectasia; Immunodeficiency with ataxia telangiectasia; ATAXIA-TELANGIECTASIA, COMPLEMENTATION GROUP A; ATAXIA-TELANGIECTASIA, FRESNO VARIANT; Ataxia-telangiectasia. Identifiers: Orphanet 100, MedGen C0004135, MONDO:0008840, OMIM 208900.
Hereditary cancer-predisposing syndrome. Also called: Tumor predisposition; Neoplastic Syndromes, Hereditary; Hereditary Cancer Syndrome; Hereditary neoplastic syndrome. Identifiers: Orphanet 140162, MedGen C0027672, MeSH D009386, MONDO:0015356.

Submissions (5):

Labcorp Genetics (formerly Invitae), Labcorp
Classification: Likely benign for Ataxia-telangiectasia syndrome. Last evaluated: 2025-11-25. Review status: criteria provided, single submitter. Criteria: Invitae Variant Classification Sherloc (09022015). Collection method: clinical testing. Allele origin: germline.

Blueprint Genetics
Classification: Likely benign. Last evaluated: 2024-06-24. Review status: criteria provided, single submitter. Criteria: ACMG Guidelines, 2015. Collection method: clinical testing. Allele origin: germline.

Mendelics
Classification: Likely benign for Ataxia-telangiectasia syndrome. Last evaluated: 2019-05-28. Review status: criteria provided, single submitter. Criteria: Mendelics Assertion Criteria 2017. Collection method: clinical testing. Allele origin: unknown.

Color Diagnostics, LLC DBA Color Health
Classification: Likely benign for Hereditary cancer-predisposing syndrome. Last evaluated: 2018-03-16. Review status: criteria provided, single submitter. Criteria: ACMG Guidelines, 2015. Collection method: clinical testing. Allele origin: germline.

GeneDx
Classification: Likely benign. Last evaluated: 2017-10-24. Review status: criteria provided, single submitter. Criteria: GeneDx Variant Classification (06012015). Collection method: clinical testing. Allele origin: germline. Affected: yes.
Comment: This variant is considered likely benign or benign based on one or more of the following criteria: it is a conservative change, it occurs at a poorly conserved position in the protein, it is predicted to be benign by multiple in silico algorithms, and/or has population frequency not consistent with disease.

NM_000051.4(ATM):c.2376+9TTC[2]

Gene: ATM (ATM serine/threonine kinase; plus strand). Cytogenetic location: 11q22.3.
Variant type: Microsatellite.
Coding change: c.2376+9TTC[2] on transcript NM_000051.4 (MANE Select); two copies in a row of the 3-base unit TTC starting at c.2376+9.
Molecular consequence: intron variant.
Genome position: GRCh38 VCF-style: chr11-108257614-TTTC-T. GRCh37 (hg19) VCF-style: chr11-108128341-TTTC-T.
Other names: c.2376+17_2376+19delCTT (NM_000051.3); c.2376+9TTC[2] (NM_001351834.2).
Identifiers: ClinVar variation 220612 (VCV000220612.14), dbSNP rs757318914, ClinGen allele CA348992.